The following is an entry in ClinVar:

NM_053025.4(MYLK):c.1954C>T (p.Pro652Ser)

Gene: MYLK (myosin light chain kinase; minus strand). Cytogenetic location: 3q21.1.
Variant type: single nucleotide variant.
Coding change: c.1954C>T on transcript NM_053025.4 (MANE Select); coding-DNA position 1954, C replaced by T.
Protein change: p.Pro652Ser; replaces proline 652 with serine.
Molecular consequence: missense variant.
Genome position (GRCh38, 1-based): chr3:123,708,884, G>A on the plus strand (C>T on the coding strand, the complement: MYLK is on the minus strand). VCF-style: chr3-123708884-G-A. GRCh37 (hg19) VCF-style: chr3-123427731-G-A.
Other names: c.1426C>T, p.Pro476Ser (NM_001321309.2); c.1747C>T, p.Pro583Ser (NM_053026.4, NM_053028.4); c.1954C>T, p.Pro652Ser (NM_053027.4); short protein forms P476S, P652S, P583S.
Identifiers: ClinVar variation 2567240 (VCV002567240.3), dbSNP rs750686734, ClinGen allele CA354234590.

ClinVar aggregate classification (germline): Uncertain significance. Review status: criteria provided, multiple submitters, no conflicts (2 of 4 stars). 2 submissions from 2 submitters: Uncertain significance (2). Last evaluated 2025-11-09.

Conditions:
Familial thoracic aortic aneurysm and aortic dissection (TAAD). Also called: Thoracic aortic aneurysms and dissections. Identifiers: Orphanet 91387, MedGen C4707243, MONDO:0019625.
Aortic aneurysm, familial thoracic 7 (AAT7). Also called: AORTIC DISSECTION, FAMILIAL, WITH OR WITHOUT AORTIC ANEURYSM. Identifiers: MedGen C3151077, MONDO:0013418, OMIM 613780.

gnomAD v4.1: 4 of 1,614,042 alleles (0.00025%); highest among the groups gnomAD compares: Non-Finnish European, 0.00034%; no homozygotes.

Submissions (2):

Labcorp Genetics (formerly Invitae), Labcorp
Classification: Uncertain significance for Aortic aneurysm, familial thoracic 7. Last evaluated: 2025-11-09. Review status: criteria provided, single submitter. Criteria: Invitae Variant Classification Sherloc (09022015). Collection method: clinical testing. Allele origin: germline.
Comment: This sequence change replaces proline, which is neutral and non-polar, with serine, which is neutral and polar, at codon 652 of the MYLK protein (p.Pro652Ser). This variant is not present in population databases (gnomAD no frequency). This variant has not been reported in the literature in individuals affected with MYLK-related conditions. ClinVar contains an entry for this variant (Variation ID: 2567240). Invitae Evidence Modeling of protein sequence and biophysical properties (such as structural, functional, and spatial information, amino acid conservation, physicochemical variation, residue mobility, and thermodynamic stability) indicates that this missense variant is not expected to disrupt MYLK protein function with a negative predictive value of 80%. In summary, the available evidence is currently insufficient to determine the role of this variant in disease. Therefore, it has been classified as a Variant of Uncertain Significance.

Ambry Genetics
Classification: Uncertain significance for Familial thoracic aortic aneurysm and aortic dissection. Last evaluated: 2023-03-26. Review status: criteria provided, single submitter. Criteria: Ambry Variant Classification Scheme 2023. Collection method: clinical testing. Allele origin: germline.
Comment: The p.P652S variant (also known as c.1954C>T), located in coding exon 12 of the MYLK gene, results from a C to T substitution at nucleotide position 1954. The proline at codon 652 is replaced by serine, an amino acid with similar properties. This amino acid position is conserved. In addition, the in silico prediction for this alteration is inconclusive. Since supporting evidence is limited at this time, the clinical significance of this alteration remains unclear.